The following is an entry in ClinVar:

ClinVar aggregate classification (germline): Pathogenic (1 of 4 stars; one submission).

Conditions:
Duchenne muscular dystrophy (DMD). Also called: MUSCULAR DYSTROPHY, PSEUDOHYPERTROPHIC PROGRESSIVE, DUCHENNE TYPE; Duchenne Muscular Dystrophy (DMD). Identifiers: Orphanet 98896, MedGen C0013264, MONDO:0010679, OMIM 310200.

Submission:

Labcorp Genetics (formerly Invitae), Labcorp
Classification: Pathogenic for Duchenne muscular dystrophy. Last evaluated: 2023-07-27. Review status: criteria provided, single submitter. Criteria: Invitae Variant Classification Sherloc (09022015). Collection method: clinical testing. Allele origin: germline.
Comment: This variant is a gross deletion of the genomic region encompassing exon(s) 3-47 of the DMD gene. This variant would be expected to be in-frame, preserving the integrity of the reading frame. A similar copy number variant has been observed in individuals with Duchenne muscular dystrophy (PMID: 17259292; Invitae). This variant disrupts a region of the DMD protein in which other variant(s) (Deletion (Exons 10-44)) have been determined to be pathogenic (PMID: 12674656, 18055393, 20485447, 22090376, 27206868). This suggests that this is a clinically significant region of the protein, and that variants that disrupt it are likely to be disease-causing. For these reasons, this variant has been classified as Pathogenic.

Literature cited by the submitters: PubMed 17259292; PubMed 12674656; PubMed 18055393; PubMed 20485447; PubMed 22090376; PubMed 27206868.

NC_000023.10:g.(?_31947693)_(32867957_?)del

Gene: DMD (dystrophin; minus strand). Cytogenetic location: Xp21.1.
Variant type: Deletion.
Identifiers: ClinVar variation 1071865 (VCV001071865.7).